The following is an entry in ClinVar:

ClinVar aggregate classification (germline): Benign. Review status: criteria provided, multiple submitters, no conflicts (2 of 4 stars). 2 submissions from 2 submitters: Benign (2). Last evaluated 2018-01-13.

Conditions:
Isolated focal non-epidermolytic palmoplantar keratoderma. Also called: Palmoplantar keratoderma, nonepidermolytic, focal 2. Identifiers: Orphanet 448264, MedGen C4225339, MONDO:0014622, OMIM 616400.

Allele frequency attached by ClinVar (database versions not stated): gnomAD exomes 0.59502; TOPMed 0.56016; 1000 Genomes Project 30x 0.46487; 1000 Genomes Project 0.46805; gnomAD 0.56577 and 0.57605.
gnomAD v4.1: 86,466 of 152,470 alleles (57%); highest among the groups gnomAD compares: Non-Finnish European, 63%; 25,071 homozygotes.

Submissions (2):

Illumina Laboratory Services, Illumina
Classification: Benign for Isolated focal non-epidermolytic palmoplantar keratoderma. Last evaluated: 2018-01-13. Review status: criteria provided, single submitter. Criteria: ICSL Variant Classification Criteria 13 December 2019. Collection method: clinical testing. Allele origin: germline.
Comment: This variant was observed in the ICSL laboratory as part of a predisposition screen in an ostensibly healthy population. It had not been previously curated by ICSL or reported in the Human Gene Mutation Database (HGMD: prior to June 1st, 2018), and was therefore a candidate for classification through an automated scoring system. Utilizing variant allele frequency, disease prevalence and penetrance estimates, and inheritance mode, an automated score was calculated to assess if this variant is too frequent to cause the disease. Based on the score and internal cut-off values, a variant classified as benign is not then subjected to further curation. The score for this variant resulted in a classification of benign for this disease.

Breakthrough Genomics
Classification: Benign. Review status: criteria provided, single submitter. Criteria: ACMG Guidelines, 2015. Collection method: not provided. Allele origin: germline. Inheritance: Autosomal dominant inheritance. Affected: yes.

NM_145068.4(TRPV3):c.*656G>T

Genes: SPATA22 (spermatogenesis associated 22; minus strand), TRPV3 (transient receptor potential cation channel subfamily V member 3; minus strand). Cytogenetic location: 17p13.2.
Variant type: single nucleotide variant.
Coding change: c.*656G>T on transcript NM_145068.4 (MANE Select); 656 bases downstream of the stop codon, G replaced by T.
Molecular consequence: 3 prime UTR variant. On other transcripts: intron variant (2).
Genome position (GRCh38, 1-based): chr17:3,513,261, C>A on the plus strand (G>T on the coding strand, the complement: TRPV3 is on the minus strand). VCF-style: chr17-3513261-C-A. GRCh37 (hg19) VCF-style: chr17-3416555-C-A.
Other names: c.*656G>T (NM_001258205.2); c.-74+151G>T (NM_001321336.2, NM_001321337.2).
Identifiers: ClinVar variation 322735 (VCV000322735.8), dbSNP rs7208811, ClinGen allele CA10645373.